The following is an entry in ClinVar:

NM_001611.5(ACP5):c.617A>G (p.Tyr206Cys)

Gene: ACP5 (acid phosphatase 5, tartrate resistant; minus strand). Cytogenetic location: 19p13.2.
Variant type: single nucleotide variant.
Coding change: c.617A>G on transcript NM_001611.5 (MANE Select); coding-DNA position 617, A replaced by G.
Protein change: p.Tyr206Cys; replaces tyrosine 206 with cysteine.
Molecular consequence: missense variant.
Genome position (GRCh38, 1-based): chr19:11,576,361, T>C on the plus strand (A>G on the coding strand, the complement: ACP5 is on the minus strand). VCF-style: chr19-11576361-T-C. GRCh37 (hg19) VCF-style: chr19-11687176-T-C.
Other names: c.617A>G, p.Tyr206Cys (NM_001111034.3, NM_001111035.3, NM_001111036.3 and 1 more transcripts); short protein forms Y206C.
Identifiers: ClinVar variation 1715250 (VCV001715250.6), dbSNP rs1973150711, ClinGen allele CA404146471.

ClinVar aggregate classification (germline): Uncertain significance (1 of 4 stars; one submission).

Conditions:
Spondyloenchondrodysplasia with immune dysregulation (SPENCDI). Also called: SPONDYLOENCHONDRODYSPLASIA WITH OR WITHOUT IMMUNE DYSREGULATION; COMBINED IMMUNODEFICIENCY WITH AUTOIMMUNITY AND SPONDYLOMETAPHYSEAL DYSPLASIA; ROIFMAN IMMUNOSKELETAL SYNDROME. Identifiers: Orphanet 1855, MedGen C1842763, MONDO:0011939, OMIM 607944.

Submission:

Labcorp Genetics (formerly Invitae), Labcorp
Classification: Uncertain significance for Spondyloenchondrodysplasia with immune dysregulation. Last evaluated: 2022-08-05. Review status: criteria provided, single submitter. Criteria: Invitae Variant Classification Sherloc (09022015). Collection method: clinical testing. Allele origin: germline.
Comment: In summary, the available evidence is currently insufficient to determine the role of this variant in disease. Therefore, it has been classified as a Variant of Uncertain Significance. This sequence change replaces tyrosine, which is neutral and polar, with cysteine, which is neutral and slightly polar, at codon 206 of the ACP5 protein (p.Tyr206Cys). This variant is not present in population databases (gnomAD no frequency). This variant has not been reported in the literature in individuals affected with ACP5-related conditions. Algorithms developed to predict the effect of missense changes on protein structure and function are either unavailable or do not agree on the potential impact of this missense change (SIFT: "Not Available"; PolyPhen-2: "Probably Damaging"; Align-GVGD: "Not Available").